The following is an entry in ClinVar:

ClinVar aggregate classification (germline): Uncertain significance (1 of 4 stars; one submission).

Conditions:
Ataxia-telangiectasia syndrome (AT). Also called: Ataxia-telangiectasia; LOUIS-BAR SYNDROME; Ataxia-telangiectasia, complementation group D; AT, COMPLEMENTATION GROUP C; ATAXIA-TELANGIECTASIA, COMPLEMENTATION GROUP A; ATAXIA-TELANGIECTASIA, FRESNO VARIANT. Identifiers: Orphanet 100, MedGen C0004135, MONDO:0008840, OMIM 208900.

Submission:

Labcorp Genetics (formerly Invitae), Labcorp
Classification: Uncertain significance for Ataxia-telangiectasia syndrome. Last evaluated: 2025-06-27. Review status: criteria provided, single submitter. Criteria: Invitae Variant Classification Sherloc (09022015). Collection method: clinical testing. Allele origin: germline.
Comment: This sequence change replaces isoleucine, which is neutral and non-polar, with leucine, which is neutral and non-polar, at codon 2278 of the ATM protein (p.Ile2278Leu). This variant is not present in population databases (gnomAD no frequency). This variant has not been reported in the literature in individuals affected with ATM-related conditions. ClinVar contains an entry for this variant (Variation ID: 1405013). Invitae Evidence Modeling of protein sequence and biophysical properties (such as structural, functional, and spatial information, amino acid conservation, physicochemical variation, residue mobility, and thermodynamic stability) indicates that this missense variant is not expected to disrupt ATM protein function with a negative predictive value of 95%. In summary, the available evidence is currently insufficient to determine the role of this variant in disease. Therefore, it has been classified as a Variant of Uncertain Significance.

NM_000051.4(ATM):c.6832A>C (p.Ile2278Leu)

Genes: ATM (ATM serine/threonine kinase; plus strand), C11orf65 (chromosome 11 open reading frame 65; minus strand). Cytogenetic location: 11q22.3.
Variant type: single nucleotide variant.
Coding change: c.6832A>C on transcript NM_000051.4 (MANE Select); coding-DNA position 6832, A replaced by C.
Protein change: p.Ile2278Leu; replaces isoleucine 2278 with leucine.
Molecular consequence: missense variant. On other transcripts: intron variant (2).
Genome position (GRCh38, 1-based): chr11:108,326,082, A>C. VCF-style: chr11-108326082-A-C. GRCh37 (hg19) VCF-style: chr11-108196809-A-C.
Other names: c.6832A>C, p.Ile2278Leu (NM_001351834.2); c.641-17011T>G (NM_001330368.2); c.*38+9138T>G (NM_001351110.2); short protein forms I2278L.
Identifiers: ClinVar variation 1405013 (VCV001405013.6), dbSNP rs2085649125, ClinGen allele CA382556567.
Genomic context (GRCh38, chr11:108,326,082, plus strand): 5'-AAAAGTATTTATTCCCATATGTCATTTTCATTTCAGCTCCCTGAAAGGGCAATATTTCAA[A>C]TTAAACAGTACAATTCAGTTAGCTGTGGAGTCTCTGAGTGGCAGCTGGAAGAAGCACAAG-3'
Protein context (NP_000042.3, residues 2268-2288): TQLPERAIFQ[Ile2278Leu]KQYNSVSCGV